The following is an entry in ClinVar:

NM_000211.5(ITGB2):c.1878-45dup

Gene: ITGB2 (integrin subunit beta 2; minus strand). Cytogenetic location: 21q22.3.
Variant type: Duplication.
Coding change: c.1878-45dup on transcript NM_000211.5 (MANE Select); 45 bases into the intron before coding-DNA position 1878, one base duplicated (C; older notation c.1878-45dupC).
Molecular consequence: intron variant.
Genome position (GRCh38, 1-based): chr21:44,888,936, G duplicated on the plus strand (C on the coding strand, the reverse complement: ITGB2 is on the minus strand); the first of 5 consecutive G bases (chr21:44,888,936-44,888,940); duplicating any one gives the same sequence. VCF-style (leftmost placement, unchanged base first): chr21-44888935-C-CG. GRCh37 (hg19) VCF-style: chr21-46308850-C-CG.
Other names: c.1878-41dup (LRG_76t1); c.1878-45dup (NM_001127491.3); c.1671-45dup (NM_001303238.2).
Identifiers: ClinVar variation 100749 (VCV000100749.8), dbSNP rs35293792, ClinGen allele CA249761.

ClinVar aggregate classification (germline): Benign. Review status: criteria provided, multiple submitters, no conflicts (2 of 4 stars). 3 submissions from 3 submitters: Benign (3). Last evaluated 2024-01-24.

Conditions:
Leukocyte adhesion deficiency 1 (LAD1). Also called: LEUKOCYTE ADHESION DEFICIENCY, TYPE I; LAD 1; Lymphocyte function-associated antigen 1 immunodeficiency; LFA 1 immunodeficiency. Identifiers: Orphanet 2968, Orphanet 99842, MedGen C0398738, MONDO:0007293, OMIM 116920.

Submissions (3):

Unidad de Genómica Garrahan, Hospital de Pediatría Garrahan
Classification: Benign. Last evaluated: 2024-01-24. Review status: criteria provided, single submitter. Criteria: ACMG Guidelines, 2015. Collection method: clinical testing. Allele origin: germline. Affected: no. Observed: 20 variant alleles.
Comment: This variant is classified as Benign based on local population frequency. This variant was detected in 21% of patients studied by a panel of primary immunodeficiencies. Number of patients: 20. Only high quality variants are reported.

Genomic Research Center, Shahid Beheshti University of Medical Sciences
Classification: Benign for Leukocyte adhesion deficiency 1. Last evaluated: 2020-05-03. Review status: criteria provided, single submitter. Criteria: ACMG Guidelines, 2015. Collection method: clinical testing. Allele origin: unknown. Study: Mutation spectra of the ITGB2 gene in Iranian families with leukocyte adhesion deficiency type 1.

GeneDx
Classification: Benign. Last evaluated: 2018-11-12. Review status: criteria provided, single submitter. Criteria: GeneDx Variant Classification Process June 2021. Collection method: clinical testing. Allele origin: germline. Affected: yes.